The following is an entry in ClinVar:

ClinVar aggregate classification (germline): Pathogenic. Review status: criteria provided, multiple submitters, no conflicts (2 of 4 stars). 2 submissions from 2 submitters: Pathogenic (2). Last evaluated 2024-01-04.

Conditions:
Miyoshi muscular dystrophy 1 (MMD1). Identifiers: Orphanet 45448, MedGen C4551973, MONDO:0024545, OMIM 254130.
Neuromuscular disease caused by qualitative or quantitative defects of dysferlin. Also called: Qualitative or quantitative defects of dysferlin; Dysferlinopathy. Identifiers: Orphanet 207073, MedGen C2931687, MONDO:0016145.

gnomAD v4.1: 1 of 1,614,030 alleles (0.000062%); highest among the groups gnomAD compares: Non-Finnish European, 0.000085%; no homozygotes.

Submissions (2):

Labcorp Genetics (formerly Invitae), Labcorp
Classification: Pathogenic for Neuromuscular disease caused by qualitative or quantitative defects of dysferlin. Last evaluated: 2024-01-04. Review status: criteria provided, single submitter. Criteria: Invitae Variant Classification Sherloc (09022015). Collection method: clinical testing. Allele origin: germline.
Comment: This sequence change creates a premature translational stop signal (p.Trp320*) in the DYSF gene. It is expected to result in an absent or disrupted protein product. Loss-of-function variants in DYSF are known to be pathogenic (PMID: 17698709, 20301480). This variant is not present in population databases (gnomAD no frequency). This premature translational stop signal has been observed in individual(s) with clinical features of dysferlinopathy (PMID: 33927379). For these reasons, this variant has been classified as Pathogenic.

Baylor Genetics
Classification: Pathogenic for Miyoshi muscular dystrophy 1. Last evaluated: 2023-01-07. Review status: criteria provided, single submitter. Criteria: ACMG Guidelines, 2015. Collection method: clinical testing. Allele origin: unknown.

Literature cited by the submitters: PubMed 17698709 (cited by Labcorp Genetics (formerly Invitae), Labcorp); PubMed 20301480 (cited by Labcorp Genetics (formerly Invitae), Labcorp); PubMed 33927379 (cited by Labcorp Genetics (formerly Invitae), Labcorp).

NM_001130987.2(DYSF):c.1055G>A (p.Trp352Ter)

Gene: DYSF (dysferlin; plus strand). Cytogenetic location: 2p13.2.
Variant type: single nucleotide variant.
Coding change: c.1055G>A on transcript NM_001130987.2 (MANE Select); coding-DNA position 1055, G replaced by A.
Protein change: p.Trp352Ter; replaces tryptophan 352 with a stop codon.
Molecular consequence: nonsense.
Genome position (GRCh38, 1-based): chr2:71,520,810, G>A. VCF-style: chr2-71520810-G-A. GRCh37 (hg19) VCF-style: chr2-71747940-G-A.
Other names: c.962G>A, p.Trp321Ter (NM_001130455.2, NM_001130983.2, NM_001130984.2 and 1 more transcripts); c.959G>A, p.Trp320Ter (NM_001130976.2, NM_001130977.2, NM_001130978.2 and 1 more transcripts); c.1052G>A, p.Trp351Ter (NM_001130979.2, NM_001130980.2, NM_001130981.2); c.1055G>A, p.Trp352Ter (NM_001130982.2, NM_001130985.2); short protein forms W320*, W321*, W351*, W352*.
Identifiers: ClinVar variation 2674995 (VCV002674995.4), dbSNP rs2152742210, ClinGen allele CA347211959.